The following is an entry in ClinVar:

NM_000052.7(ATP7A):c.152T>C (p.Ile51Thr)

Gene: ATP7A (ATPase copper transporting alpha; plus strand). Cytogenetic location: Xq21.1.
Variant type: single nucleotide variant.
Coding change: c.152T>C on transcript NM_000052.7 (MANE Select); coding-DNA position 152, T replaced by C.
Protein change: p.Ile51Thr; replaces isoleucine 51 with threonine.
Molecular consequence: missense variant.
Genome position (GRCh38, 1-based): chrX:77,988,273, T>C. VCF-style: chrX-77988273-T-C. GRCh37 (hg19) VCF-style: chrX-77243769-T-C.
Other names: c.152T>C, p.Ile51Thr (NM_001282224.2); short protein forms I51T.
Identifiers: ClinVar variation 3762000 (VCV003762000.2).

ClinVar aggregate classification (germline): Uncertain significance (1 of 4 stars; one submission).

Conditions:
Menkes kinky-hair syndrome (MNK). Also called: Copper transport disease; Menkes Disease; Classic Menkes Disease. Identifiers: Orphanet 565, MedGen C0022716, MONDO:0010651, OMIM 309400.
X-linked distal spinal muscular atrophy type 3. Also called: ATP7A-Related Distal Motor Neuropathy; SPINAL MUSCULAR ATROPHY, DISTAL, X-LINKED RECESSIVE; NEURONOPATHY, DISTAL HEREDITARY MOTOR, X-LINKED; NEUROPATHY, DISTAL HEREDITARY MOTOR, X-LINKED. Identifiers: Orphanet 139557, MedGen C1845359, MONDO:0010338, OMIM 300489.
Cutis laxa, X-linked (OHS). Also called: EDS IX; Occipital horn syndrome. Identifiers: Orphanet 198, MedGen C0268353, MONDO:0010572, OMIM 304150.

Submission:

Labcorp Genetics (formerly Invitae), Labcorp
Classification: Uncertain significance for X-linked distal spinal muscular atrophy type 3; Cutis laxa, X-linked; Menkes kinky-hair syndrome. Last evaluated: 2024-08-21. Review status: criteria provided, single submitter. Criteria: Invitae Variant Classification Sherloc (09022015). Collection method: clinical testing. Allele origin: germline.
Comment: This sequence change replaces isoleucine, which is neutral and non-polar, with threonine, which is neutral and polar, at codon 51 of the ATP7A protein (p.Ile51Thr). This variant is not present in population databases (gnomAD no frequency). This variant has not been reported in the literature in individuals affected with ATP7A-related conditions. Invitae Evidence Modeling of protein sequence and biophysical properties (such as structural, functional, and spatial information, amino acid conservation, physicochemical variation, residue mobility, and thermodynamic stability) indicates that this missense variant is not expected to disrupt ATP7A protein function with a negative predictive value of 95%. In summary, the available evidence is currently insufficient to determine the role of this variant in disease. Therefore, it has been classified as a Variant of Uncertain Significance.